The following is an entry in ClinVar:

ClinVar aggregate classification (germline): Uncertain significance (1 of 4 stars; one submission).

gnomAD v4.1: 10 of 1,613,722 alleles (0.00062%); highest among the groups gnomAD compares: Admixed American, 0.0033%; no homozygotes.

Submission:

GeneDx
Classification: Uncertain significance. Last evaluated: 2025-08-11. Review status: criteria provided, single submitter. Criteria: GeneDx Variant Classification Process June 2021. Collection method: clinical testing. Allele origin: germline. Affected: yes.
Comment: In silico analysis supports that this missense variant has a deleterious effect on protein structure/function; Has not been previously published as pathogenic or benign to our knowledge

NM_001130021.3(ATP6V0A1):c.679G>A (p.Asp227Asn)

Gene: ATP6V0A1 (ATPase H+ transporting V0 subunit a1; plus strand). Cytogenetic location: 17q21.2.
Variant type: single nucleotide variant.
Coding change: c.679G>A on transcript NM_001130021.3 (MANE Select); coding-DNA position 679, G replaced by A.
Protein change: p.Asp227Asn; replaces aspartic acid 227 with asparagine.
Molecular consequence: missense variant.
Genome position (GRCh38, 1-based): chr17:42,480,712, G>A. VCF-style: chr17-42480712-G-A. GRCh37 (hg19) VCF-style: chr17-40632730-G-A.
Other names: c.700G>A, p.Asp234Asn (NM_001130020.3, NM_001378539.1, NM_001378541.1 and 3 more transcripts); c.679G>A, p.Asp227Asn (NM_001378537.1, NM_001378542.1, NM_001378544.1 and 6 more transcripts); c.550G>A, p.Asp184Asn (NM_001378538.1, NM_001378540.1); c.520G>A, p.Asp174Asn (NM_001378543.1); c.469G>A, p.Asp157Asn (NM_001378545.1, NM_001378554.1); c.802G>A, p.Asp268Asn (NM_001378530.1, NM_001378533.1, NM_001378551.1 and 1 more transcripts); c.823G>A, p.Asp275Asn (NM_001378531.1, NM_001378532.1); c.571G>A, p.Asp191Asn (NM_001378536.1, NM_001378550.1, NM_001378556.1); and 1 more; short protein forms D157N, D234N, D167N, D227N, D174N, D184N, D191N, D268N.
Identifiers: ClinVar variation 4795583 (VCV004795583.1).